The following is an entry in ClinVar:

ClinVar aggregate classification (germline): Likely pathogenic (1 of 4 stars; one submission).

Allele frequency attached by ClinVar (database versions not stated): gnomAD 0.00001.
gnomAD v4.1: 1 of 1,510,090 alleles (0.000066%); highest among the groups gnomAD compares: African/African-American, 0.0014%; no homozygotes.

Submission:

Labcorp Genetics (formerly Invitae), Labcorp
Classification: Likely pathogenic. Last evaluated: 2022-12-21. Review status: criteria provided, single submitter. Criteria: Invitae Variant Classification Sherloc (09022015). Collection method: clinical testing. Allele origin: germline.
Comment: This variant has not been reported in the literature in individuals affected with FRAS1-related conditions. In summary, the currently available evidence indicates that the variant is pathogenic, but additional data are needed to prove that conclusively. Therefore, this variant has been classified as Likely Pathogenic. Algorithms developed to predict the effect of sequence changes on RNA splicing suggest that this variant may disrupt the consensus splice site. This variant is not present in population databases (gnomAD no frequency). This sequence change affects a donor splice site in intron 29 of the FRAS1 gene. It is expected to disrupt RNA splicing. Variants that disrupt the donor or acceptor splice site typically lead to a loss of protein function (PMID: 16199547), and loss-of-function variants in FRAS1 are known to be pathogenic (PMID: 12766769, 18671281).

Literature cited by the submitters: PubMed 16199547; PubMed 12766769; PubMed 18671281.

NM_025074.7(FRAS1):c.3975+2T>C

Gene: FRAS1 (Fraser extracellular matrix complex subunit 1; plus strand). Cytogenetic location: 4q21.21.
Variant type: single nucleotide variant.
Coding change: c.3975+2T>C on transcript NM_025074.7 (MANE Select); the canonical splice donor site of the intron after coding-DNA position 3975, T replaced by C.
Molecular consequence: splice donor variant.
Genome position (GRCh38, 1-based): chr4:78,387,703, T>C. VCF-style: chr4-78387703-T-C. GRCh37 (hg19) VCF-style: chr4-79308857-T-C.
Other names: c.3975+2T>C (NM_001166133.2).
Identifiers: ClinVar variation 2822821 (VCV002822821.3), dbSNP rs1732274672, ClinGen allele CA357377672.
Genomic context (GRCh38, chr4:78,387,703, plus strand): 5'-AGGCCAATGATGGACACTCCTTCCATAATATACTGTTCCAAGTGAAGACCGTGCCTCAGG[T>C]AGGTGTCATTCCTAGAGTTACAGTTTCTTTGCACCTAGATGTGAACTTCTACGGTTGATA-3'